The following is an entry in ClinVar:

NM_015378.4(VPS13D):c.11698G>A (p.Glu3900Lys)

Gene: VPS13D (vacuolar protein sorting 13 homolog D; plus strand). Cytogenetic location: 1p36.22.
Variant type: single nucleotide variant.
Coding change: c.11698G>A on transcript NM_015378.4 (MANE Select); coding-DNA position 11698, G replaced by A.
Protein change: p.Glu3900Lys; replaces glutamic acid 3900 with lysine.
Molecular consequence: missense variant.
Genome position (GRCh38, 1-based): chr1:12,400,244, G>A. VCF-style: chr1-12400244-G-A. GRCh37 (hg19) VCF-style: chr1-12460301-G-A.
Other names: c.11623G>A, p.Glu3875Lys (NM_018156.4); short protein forms E3875K, E3900K.
Identifiers: ClinVar variation 4074637 (VCV004074637.1).
Genomic context (GRCh38, chr1:12,400,244, plus strand): 5'-GACAATCAGCTCATTGGTACCACGCAGCCCTTCATGCTCTATGTGACTCCCCTGAGCAAT[G>A]AGAATGAGGTCATCGAGACCGGCCCAGCTGTGCAAGTCAACGCAGTGAAGTTCCCCAGTA-3'
Protein context (NP_056193.2, residues 3890-3910): FMLYVTPLSN[Glu3900Lys]NEVIETGPAV

ClinVar aggregate classification (germline): Uncertain significance (1 of 4 stars; one submission).

Submission:

GeneDx
Classification: Uncertain significance. Last evaluated: 2025-02-05. Review status: criteria provided, single submitter. Criteria: GeneDx Variant Classification Process June 2021. Collection method: clinical testing. Allele origin: germline. Affected: yes.
Comment: Not observed at significant frequency in large population cohorts (gnomAD); In silico analysis supports that this missense variant has a deleterious effect on protein structure/function; Has not been previously published as pathogenic or benign to our knowledge